The following is an entry in ClinVar:

ClinVar aggregate classification (germline): Pathogenic (1 of 4 stars; one submission).

Submission:

Labcorp Genetics (formerly Invitae), Labcorp
Classification: Pathogenic. Last evaluated: 2023-11-27. Review status: criteria provided, single submitter. Criteria: Invitae Variant Classification Sherloc (09022015). Collection method: clinical testing. Allele origin: germline.
Comment: This sequence change creates a premature translational stop signal (p.Ala70Valfs*80) in the YARS2 gene. It is expected to result in an absent or disrupted protein product. Loss-of-function variants in YARS2 are known to be pathogenic (PMID: 20598274, 24344687, 25638461). This variant is not present in population databases (gnomAD no frequency). This variant has not been reported in the literature in individuals affected with YARS2-related conditions. For these reasons, this variant has been classified as Pathogenic.

Literature cited by the submitters: PubMed 20598274; PubMed 24344687; PubMed 25638461.

NM_001040436.3(YARS2):c.208_209insT (p.Ala70fs)

Gene: YARS2 (tyrosyl-tRNA synthetase 2; minus strand). Cytogenetic location: 12p11.21.
Variant type: Insertion.
Coding change: c.208_209insT on transcript NM_001040436.3 (MANE Select); coding-DNA positions 208 to 209, T inserted.
Protein change: p.Ala70fs; shifts the reading frame from alanine 70.
Molecular consequence: frameshift variant.
Genome position: GRCh38 VCF-style: chr12-32755666-G-GA. GRCh37 (hg19) VCF-style: chr12-32908600-G-GA.
Other names: short protein forms A70fs.
Identifiers: ClinVar variation 2751467 (VCV002751467.3), dbSNP rs2541164598, ClinGen allele CA2697559163.
Genomic context (GRCh38, chr12:32,755,666, plus strand): 5'-CCCACATGAAGCGAGTCTGCCGTGGGGTCGAAGCCACAGTAAATGGTTTGGGGAAAACTC[G>GA]CCGTGCCACGGTCGAAGAGCTCTGGGAGCTCTATTTTCGTCCCCGTCTCCGGGAAGAAGT-3'